The following is an entry in ClinVar:

ClinVar aggregate classification (germline): Uncertain significance (1 of 4 stars; one submission).

Allele frequency attached by ClinVar (database versions not stated): gnomAD exomes below 0.00001.
gnomAD v4.1: 1 of 1,598,104 alleles (0.000063%); highest among the groups gnomAD compares: East Asian, 0.0022%; no homozygotes.

Submission:

Labcorp Genetics (formerly Invitae), Labcorp
Classification: Uncertain significance. Last evaluated: 2022-03-10. Review status: criteria provided, single submitter. Criteria: Invitae Variant Classification Sherloc (09022015). Collection method: clinical testing. Allele origin: germline.
Comment: This sequence change replaces asparagine, which is neutral and polar, with serine, which is neutral and polar, at codon 8 of the CNGA1 protein (p.Asn8Ser). This variant is not present in population databases (gnomAD no frequency). This variant has not been reported in the literature in individuals affected with CNGA1-related conditions. Algorithms developed to predict the effect of missense changes on protein structure and function output the following: SIFT: "Tolerated"; PolyPhen-2: "Benign"; Align-GVGD: "Class C0". The serine amino acid residue is found in multiple mammalian species, which suggests that this missense change does not adversely affect protein function. In summary, the available evidence is currently insufficient to determine the role of this variant in disease. Therefore, it has been classified as a Variant of Uncertain Significance.

NM_001379270.1(CNGA1):c.11A>G (p.Asn4Ser)

Genes: CNGA1 (cyclic nucleotide gated channel subunit alpha 1; minus strand), LOC101927157 (uncharacterized LOC101927157; plus strand). Cytogenetic location: 4p12.
Variant type: single nucleotide variant.
Coding change: c.11A>G on transcript NM_001379270.1 (MANE Select); coding-DNA position 11, A replaced by G.
Protein change: p.Asn4Ser; replaces asparagine 4 with serine.
Molecular consequence: missense variant.
Genome position (GRCh38, 1-based): chr4:47,952,679, T>C on the plus strand (A>G on the coding strand, the complement: CNGA1 is on the minus strand). VCF-style: chr4-47952679-T-C. GRCh37 (hg19) VCF-style: chr4-47954696-T-C.
Other names: c.11A>G, p.Asn4Ser (NM_000087.5, NM_001142564.2); short protein forms N4S.
Identifiers: ClinVar variation 1491466 (VCV001491466.6), dbSNP rs2110160641, ClinGen allele CA356836796.